The following is an entry in ClinVar:

ClinVar aggregate classification (germline): Uncertain significance (1 of 4 stars; one submission).

Submission:

GeneDx
Classification: Uncertain significance. Last evaluated: 2025-06-26. Review status: criteria provided, single submitter. Criteria: GeneDx Variant Classification Process June 2021. Collection method: clinical testing. Allele origin: germline. Affected: yes.
Comment: Not observed at significant frequency in large population cohorts (gnomAD); In silico analysis suggests that this missense variant does not alter protein structure/function; Has not been previously published as pathogenic or benign to our knowledge

NM_006922.4(SCN3A):c.2380G>A (p.Val794Ile)

Gene: SCN3A (sodium voltage-gated channel alpha subunit 3; minus strand). Cytogenetic location: 2q24.3.
Variant type: single nucleotide variant.
Coding change: c.2380G>A on transcript NM_006922.4 (MANE Select); coding-DNA position 2380, G replaced by A.
Protein change: p.Val794Ile; replaces valine 794 with isoleucine.
Molecular consequence: missense variant.
Genome position (GRCh38, 1-based): chr2:165,137,890, C>T on the plus strand (G>A on the coding strand, the complement: SCN3A is on the minus strand). VCF-style: chr2-165137890-C-T. GRCh37 (hg19) VCF-style: chr2-165994400-C-T.
Other names: c.2233G>A, p.Val745Ile (NM_001081676.2, NM_001081677.2); short protein forms V745I, V794I.
Identifiers: ClinVar variation 4539972 (VCV004539972.1).